The following is an entry in ClinVar:

NM_003722.5(TP63):c.109C>T (p.Arg37Ter)

Gene: TP63 (tumor protein p63; plus strand). Cytogenetic location: 3q28.
Variant type: single nucleotide variant.
Coding change: c.109C>T on transcript NM_003722.5 (MANE Select); coding-DNA position 109, C replaced by T.
Protein change: p.Arg37Ter; replaces arginine 37 with a stop codon.
Molecular consequence: nonsense.
Genome position (GRCh38, 1-based): chr3:189,737,786, C>T. VCF-style: chr3-189737786-C-T. GRCh37 (hg19) VCF-style: chr3-189455575-C-T.
Other names: c.109C>T, p.Arg37Ter (NM_001114978.2, NM_001114979.2, NM_001329144.2 and 1 more transcripts); c.103C>T, p.Arg35Ter (NM_001329964.2); short protein forms R35*, R37*.
Identifiers: ClinVar variation 638894 (VCV000638894.9), dbSNP rs147340040, ClinGen allele CA2752026.

ClinVar aggregate classification (germline): Conflicting classifications of pathogenicity. Review status: criteria provided, conflicting classifications (1 of 4 stars). 4 submissions from 4 submitters: Likely pathogenic (1); Uncertain significance (3). Last evaluated 2022-11-02.

Conditions:
ADULT syndrome. Also called: ACRO-DERMATO-UNGUAL-LACRIMAL-TOOTH SYNDROME; Acro-Dermo-Ungual-Lacrimal-Tooth Syndrome (ADULT Syndrome); Acro-dermato-ungual-lacrimal-tooth (adult) syndrome. Identifiers: Orphanet 978, MedGen C1863204, MONDO:0007072, OMIM 103285.
Ankyloblepharon-ectodermal defects-cleft lip/palate syndrome. Also called: Hay-Wells syndrome of ectodermal dysplasia; AEC SYNDROME; Ankyloblepharon-Ectodermal Defects-Cleft Lip/Palate Syndrome (AEC Syndrome); HAY-WELLS SYNDROME; Ankyloblepharon-ectodermal defects, cleft lip/palate. Identifiers: Orphanet 1071, MedGen C0406709, MONDO:0007124, OMIM 106260.
Rapp-Hodgkin syndrome (RHS). Also called: Isolated Cleft Lip/Cleft Palate (Orofacial Cleft 8); ECTODERMAL DYSPLASIA, ANHIDROTIC, WITH CLEFT LIP/PALATE; Rapp-Hodgkin ectodermal dysplasia syndrome. Identifiers: MedGen C1785148, MONDO:0007508, OMIM 129400.
Ectrodactyly, ectodermal dysplasia, and cleft lip-palate syndrome 3. Also called: Ectrodactyly, Ectodermal Dysplasia, Clefting Syndrome; Ectrodactyly, Ectodermal Dysplasia, Clefting Syndrome Type 3 (EEC3); EEC SYNDROME 3; Ectrodactyly, Ectodermal Dysplasia, Cleft Lip/Palate Syndrome 3 (EEC3). Identifiers: Orphanet 1896, MedGen C1858562, MONDO:0011428, OMIM 604292.
Split hand-foot malformation 4. Also called: Split-Hand/Foot Malformation Type 4 (SHFM4 syndrome); Split-Hand/Foot Malformation Type 4 (SHFM4). Identifiers: Orphanet 2440, MedGen C1854442, MONDO:0011535, OMIM 605289.
Limb-mammary syndrome (LMS). Also called: Mammary hypoplasia, ectrodactyly, and other hand/foot anomalies. Identifiers: Orphanet 69085, MedGen C1863753, MONDO:0011334, OMIM 603543.
Orofacial cleft 8. Also called: Cleft lip with or without cleft palate, nonsyndromic, 8. Identifiers: MedGen C1851878, MONDO:0029145, OMIM 618149.
Premature ovarian failure 21 (POF21). Identifiers: MedGen C5830399, MONDO:0957216, OMIM 620311.
TP63-Related Spectrum Disorders.
TP63-related disorder. Also called: TP63-related condition; TP63-Related Disorders. Identifiers: MedGen CN380159.

Allele frequency attached by ClinVar (database versions not stated): gnomAD 0.00001; ESP Exome Variant Server 0.00008; gnomAD exomes 0.00001; ExAC 0.00001; TOPMed 0.00002.
gnomAD v4.1: 15 of 1,613,904 alleles (0.00093%); highest among the groups gnomAD compares: Admixed American, 0.005%; no homozygotes.

Submissions (4):

PreventionGenetics, part of Exact Sciences
Classification: Uncertain significance for TP63-related condition. Last evaluated: 2022-11-02. Review status: criteria provided, single submitter. Criteria: ACMG Guidelines, 2015. Collection method: clinical testing. Allele origin: germline.
Comment: The TP63 c.109C>T variant is predicted to result in premature protein termination (p.Arg37*). This variant was reported in an individual with short stature, abnormality of the cerebral white matter, low posterior hairline, webbed neck, cafe-au-lait spot, and scoliosis; however, the patient was also heterozygous for a variant in PTPN11 that the authors interpreted as likely pathogenic (Table S3, Fan et al 2021. PubMed ID: 34006472). This variant is reported in 0.0062% of alleles in individuals of African descent in gnomAD. Although other TP63 loss-of-function variants have been reported to be associated with disease, all are located downstream of this variant. In summary, the clinical significance of this variant is currently uncertain due to the absence of conclusive functional and genetic evidence.

Labcorp Genetics (formerly Invitae), Labcorp
Classification: Uncertain significance. Last evaluated: 2022-09-27. Review status: criteria provided, single submitter. Criteria: Invitae Variant Classification Sherloc (09022015). Collection method: clinical testing. Allele origin: germline.
Comment: In summary, the available evidence is currently insufficient to determine the role of this variant in disease. Therefore, it has been classified as a Variant of Uncertain Significance. ClinVar contains an entry for this variant (Variation ID: 638894). This variant has not been reported in the literature in individuals affected with TP63-related conditions. This variant is present in population databases (rs147340040, gnomAD 0.003%). This sequence change creates a premature translational stop signal (p.Arg37*) in the TP63 gene. It is expected to result in an absent or disrupted protein product. However, the current clinical and genetic evidence is not sufficient to establish whether loss-of-function variants in TP63 cause disease.

Dasa
Classification: Likely pathogenic. Last evaluated: 2022-04-10. Review status: criteria provided, single submitter. Criteria: ACMG Guidelines, 2015. Collection method: clinical testing. Allele origin: germline. Affected: yes. Observed: 1 variant allele.
Comment: The c.109C>T;p.(Arg37)* variant creates a premature translational stop signal in the TP63 gene. It is expected to result in an absent or disrupted protein product -PVS1. The variant is present at low allele frequencies population databases (rs147340040 – gnomAD 0.00007964%; ABraOM 0.000854 frequency) - PM2_supporting. In summary, the currently available evidence indicates that the variant is likely pathogenic

Juno Genomics, Hangzhou Juno Genomics, Inc
Classification: Uncertain significance for Split hand-foot malformation 4; Premature ovarian failure 21; ADULT syndrome; Ectrodactyly, ectodermal dysplasia, and cleft lip-palate syndrome 3; Ankyloblepharon-ectodermal defects-cleft lip/palate syndrome; Limb-mammary syndrome; Orofacial cleft 8; Rapp-Hodgkin syndrome. Review status: criteria provided, single submitter. Criteria: ACMG Guidelines, 2015. Collection method: clinical testing. Allele origin: germline. Affected: yes.
Comment: Absent from controls (or at extremely low frequency if recessive) in Genome Aggregation Database.;Null variant in a gene where loss of function (LOF) is a known mechanism of disease.